The following is an entry in ClinVar:

NM_007294.4(BRCA1):c.4636G>T (p.Asp1546Tyr)

Gene: BRCA1 (BRCA1 DNA repair associated; minus strand). Cytogenetic location: 17q21.31.
Variant type: single nucleotide variant.
Coding change: c.4636G>T on transcript NM_007294.4 (MANE Select); coding-DNA position 4636, G replaced by T.
Protein change: p.Asp1546Tyr; replaces aspartic acid 1546 with tyrosine.
Molecular consequence: missense variant. On other transcripts: non-coding transcript variant (1).
Genome position (GRCh38, 1-based): chr17:43,074,370, C>A on the plus strand (G>T on the coding strand, the complement: BRCA1 is on the minus strand). VCF-style: chr17-43074370-C-A. GRCh37 (hg19) VCF-style: chr17-41226387-C-A.
Other names: 4755G>T; c.1246G>T, p.Asp416Tyr (NM_001408416.1, NM_001408412.1, NM_001408413.1 and 2 more transcripts); c.1210G>T, p.Asp404Tyr (NM_001408418.1, NM_001408419.1, NM_001408420.1); c.1207G>T, p.Asp403Tyr (NM_001408421.1, NM_001408422.1, NM_001408423.1 and 1 more transcripts); c.1204G>T, p.Asp402Tyr (NM_001408425.1, NM_001408426.1, NM_001408427.1 and 4 more transcripts); c.4369G>T, p.Asp1457Tyr (NM_001407933.1, NM_001407927.1, NM_001407928.1 and 4 more transcripts); c.4366G>T, p.Asp1456Tyr (NM_001407934.1, NM_001407935.1, NM_001407936.1); c.4513G>T, p.Asp1505Tyr (NM_001407937.1, NM_001407938.1, NM_001407664.1 and 6 more transcripts); and 69 more; short protein forms D1546Y, D1567Y, D442Y, D1499Y, D1249Y, D1377Y, D1435Y, D1458Y.
Identifiers: ClinVar variation 55246 (VCV000055246.23), dbSNP rs28897691, ClinGen allele CA002937.

ClinVar aggregate classification (germline): Benign. Review status: reviewed by expert panel (3 of 4 stars). 9 submissions from 9 submitters: Benign (1). 8 of the submissions do not count toward it. Last evaluated 2015-08-10.

Conditions:
Hereditary cancer-predisposing syndrome. Also called: Hereditary Cancer Syndrome; Hereditary neoplastic syndrome; Neoplastic Syndromes, Hereditary; Tumor predisposition. Identifiers: Orphanet 140162, MedGen C0027672, MeSH D009386, MONDO:0015356.
Hereditary breast ovarian cancer syndrome. Also called: BRCA1- and BRCA2-Associated Hereditary Breast and Ovarian Cancer; Hereditary breast and ovarian cancer syndrome; Hereditary breast and ovarian cancer syndrome (HBOC); Breast and ovarian cancer; Hereditary breast and/or ovarian cancer syndrome; Hereditary breast and ovarian cancer. Identifiers: Orphanet 145, MedGen C0677776, MeSH D061325, MONDO:0003582. Disease mechanism: loss of function.
Breast-ovarian cancer, familial, susceptibility to, 1 (BROVCA1). Also called: BRCA1 Hereditary Breast and Ovarian Cancer; OVARIAN CANCER, SUSCEPTIBILITY TO. Identifiers: Orphanet 145, MedGen C2676676, MONDO:0011450, OMIM 604370. Disease mechanism: loss of function.

Allele frequency attached by ClinVar (database versions not stated): TOPMed 0.00001.
gnomAD v4.1: 14 of 1,613,954 alleles (0.00087%); highest among the groups gnomAD compares: Non-Finnish European, 0.0012%; no homozygotes.

Submissions (9):

Evidence-based Network for the Interpretation of Germline Mutant Alleles (ENIGMA)
Classification: Benign for Breast-ovarian cancer, familial 1. Last evaluated: 2015-08-10. Review status: reviewed by expert panel. Criteria: ENIGMA BRCA1/2 Classification Criteria (2015). Collection method: curation. Allele origin: germline.
Comment: IARC class based on posterior probability from multifactorial likelihood analysis, thresholds for class as per Plon et al. 2008 (PMID: 18951446). Class 1 based on posterior probability = 0.0000284

Labcorp Genetics (formerly Invitae), Labcorp
Classification: Benign for Hereditary breast ovarian cancer syndrome. Last evaluated: 2025-12-20. Review status: criteria provided, single submitter. Criteria: Invitae Variant Classification Sherloc (09022015). Collection method: clinical testing. Allele origin: germline. Not counted in ClinVar's aggregate classification.

Center for Genomic Medicine, Rigshospitalet, Copenhagen University Hospital
Classification: Likely benign. Last evaluated: 2025-03-04. Review status: criteria provided, single submitter. Criteria: ACMG Guidelines, 2015. Collection method: clinical testing. Allele origin: germline. Not counted in ClinVar's aggregate classification.

Women's Health and Genetics/Laboratory Corporation of America, LabCorp
Classification: Likely benign. Last evaluated: 2024-03-18. Review status: criteria provided, single submitter. Criteria: LabCorp Variant Classification Summary - May 2015. Collection method: clinical testing. Allele origin: germline. Not counted in ClinVar's aggregate classification.
Comment: Variant summary: BRCA1 c.4636G>T (p.Asp1546Tyr) results in a non-conservative amino acid change in the encoded protein sequence. Three of five in-silico tools predict a benign effect of the variant on protein function. The variant allele was found at a frequency of 1.6e-05 in 251318 control chromosomes. The available data on variant occurrences in the general population are insufficient to allow any conclusion about variant significance. c.4636G>T has been reported in the literature in individuals affected with Hereditary Breast And Ovarian Cancer Syndrome without strong evidence for pathogenicity and including at least one co-occurrence with a known deleterious mutation (Judkins_2005a, Judkins_2005b). These reports do not provide unequivocal conclusions about association of the variant with Hereditary Breast And Ovarian Cancer Syndrome. At least one publication reports experimental evidence evaluating an impact on protein function (Bouwman_2020). These results showed no damaging effect of this variant on ability to complement BRCA1-deficient mouse embryonic stem cells in homologous recombination DNA repair (HRR) using cisplatin and olaparib sensitivity assays and a direct GFP HRR assay. The following publications have been ascertained in the context of this evaluation (PMID: 16267036, 15829246, 32546644). ClinVar contains an entry for this variant (Variation ID: 55246). Based on the evidence outlined above, the variant was classified as likely benign.

Color Diagnostics, LLC DBA Color Health
Classification: Likely benign for Hereditary cancer-predisposing syndrome. Last evaluated: 2018-01-16. Review status: criteria provided, single submitter. Criteria: ACMG Guidelines, 2015. Collection method: clinical testing. Allele origin: germline. Not counted in ClinVar's aggregate classification.

GeneDx
Classification: Likely benign. Last evaluated: 2016-08-11. Review status: criteria provided, single submitter. Criteria: GeneDx Variant Classification (06012015). Collection method: clinical testing. Allele origin: germline. Affected: yes. Not counted in ClinVar's aggregate classification.
Comment: This variant is considered likely benign or benign based on one or more of the following criteria: it is a conservative change, it occurs at a poorly conserved position in the protein, it is predicted to be benign by multiple in silico algorithms, and/or has population frequency not consistent with disease.

Ambry Genetics
Classification: Benign for Hereditary cancer-predisposing syndrome. Last evaluated: 2014-11-18. Review status: criteria provided, single submitter. Criteria: Ambry Variant Classification Scheme 2023. Collection method: clinical testing. Allele origin: germline. Not counted in ClinVar's aggregate classification.

Counsyl
Classification: Benign for Breast-ovarian cancer, familial, susceptibility to, 1. Last evaluated: 2017-03-30. Review status: no assertion criteria provided. Collection method: clinical testing. Allele origin: unknown. Not counted in ClinVar's aggregate classification.

Breast Cancer Information Core (BIC) (BRCA1)
Classification: Uncertain significance for Breast-ovarian cancer, familial 1. Last evaluated: 2002-05-29. Review status: no assertion criteria provided. Collection method: clinical testing. Allele origin: germline. Affected: yes. Observed: 4 variant alleles. Not counted in ClinVar's aggregate classification.

Literature cited by the submitters: PubMed 21990134 (cited by Evidence-based Network for the Interpretation of Germline Mutant Alleles (ENIGMA)); PubMed 16267036 (cited by Women's Health and Genetics/Laboratory Corporation of America, LabCorp); PubMed 15829246 (cited by Women's Health and Genetics/Laboratory Corporation of America, LabCorp); PubMed 32546644 (cited by Women's Health and Genetics/Laboratory Corporation of America, LabCorp).